The following is an entry in ClinVar:

NM_003227.4(TFR2):c.2343G>A (p.Trp781Ter)

Gene: TFR2 (transferrin receptor 2; minus strand). Cytogenetic location: 7q22.1.
Variant type: single nucleotide variant.
Coding change: c.2343G>A on transcript NM_003227.4 (MANE Select); coding-DNA position 2343, G replaced by A.
Protein change: p.Trp781Ter; replaces tryptophan 781 with a stop codon.
Molecular consequence: nonsense.
Genome position (GRCh38, 1-based): chr7:100,620,920, C>T on the plus strand (G>A on the coding strand, the complement: TFR2 is on the minus strand). VCF-style: chr7-100620920-C-T. GRCh37 (hg19) VCF-style: chr7-100218543-C-T.
Other names: c.1830G>A, p.Trp610Ter (NM_001206855.3); short protein forms W610*, W781*.
Identifiers: ClinVar variation 859038 (VCV000859038.14), dbSNP rs768907730, ClinGen allele CA4386149.

ClinVar aggregate classification (germline): Pathogenic/Likely pathogenic. Review status: criteria provided, multiple submitters, no conflicts (2 of 4 stars). 3 submissions from 3 submitters: Pathogenic (1); Likely pathogenic (2). Last evaluated 2025-12-08.

Conditions:
Hereditary hemochromatosis (HFE). Identifiers: MedGen C0392514, MONDO:0006507. Disease mechanism: loss of function.
Hemochromatosis type 3 (HFE3). Also called: TFR2-Related Hemochromatosis; HEMOCHROMATOSIS DUE TO DEFECT IN TRANSFERRIN RECEPTOR 2; Hereditary hemochromatosis type 3. Identifiers: Orphanet 225123, MedGen C1858664, MONDO:0011417, OMIM 604250.

Allele frequency attached by ClinVar (database versions not stated): ExAC 0.00001; gnomAD exomes 0.00001; gnomAD 0.00003 and 0.00004; TOPMed 0.00003.
gnomAD v4.1: 52 of 1,614,060 alleles (0.0032%); highest among the groups gnomAD compares: Non-Finnish European, 0.0042%; no homozygotes.

Submissions (3):

Labcorp Genetics (formerly Invitae), Labcorp
Classification: Pathogenic for Hereditary hemochromatosis. Last evaluated: 2025-12-08. Review status: criteria provided, single submitter. Criteria: Invitae Variant Classification Sherloc (09022015). Collection method: clinical testing. Allele origin: germline.
Comment: This sequence change creates a premature translational stop signal (p.Trp781*) in the TFR2 gene. While this is not anticipated to result in nonsense mediated decay, it is expected to disrupt the last 21 amino acid(s) of the TFR2 protein. This variant is present in population databases (rs768907730, gnomAD 0.002%). This premature translational stop signal has been observed in individual(s) with hemochromatosis (PMID: 23600741). ClinVar contains an entry for this variant (Variation ID: 859038). This variant disrupts a region of the TFR2 protein in which other variant(s) (p.Gly792Arg) have been determined to be pathogenic (PMID: 16424658, 26029709). This suggests that this is a clinically significant region of the protein, and that variants that disrupt it are likely to be disease-causing. For these reasons, this variant has been classified as Pathogenic.

Natera, Inc.
Classification: Likely pathogenic for Hereditary hemochromatosis type 3. Last evaluated: 2025-08-06. Review status: criteria provided, single submitter. Criteria: Natera Variant Classification Schema (03/2026). Collection method: clinical testing. Allele origin: germline.
Comment: The c.2343G>A variant in TFR2 is a nonsense variant predicted to introduce a stop codon at amino acid 781. This variant is expected to result in nonsense mediated decay, truncation, or a dysfunctional protein product. This variant is rare in the general population with a frequency below the threshold expected for the associated phenotype(s). This variant has been observed in one or more individuals affected with the associated recessive disease, as either homozygous or compound heterozygous with a second variant (PMID: 34946929). Given the available evidence, this variant is classified as Likely Pathogenic.

Baylor Genetics
Classification: Likely pathogenic for Hemochromatosis type 3. Last evaluated: 2024-02-06. Review status: criteria provided, single submitter. Criteria: ACMG Guidelines, 2015. Collection method: clinical testing. Allele origin: unknown.

Literature cited by the submitters: PubMed 23600741 (cited by Labcorp Genetics (formerly Invitae), Labcorp); PubMed 16424658 (cited by Labcorp Genetics (formerly Invitae), Labcorp); PubMed 26029709 (cited by Labcorp Genetics (formerly Invitae), Labcorp); PubMed 34946929 (cited by Natera, Inc.).